The following is an entry in ClinVar:

NM_174936.4(PCSK9):c.1638G>A (p.Met546Ile)

Gene: PCSK9 (proprotein convertase subtilisin/kexin type 9; plus strand). Cytogenetic location: 1p32.3.
Variant type: single nucleotide variant.
Coding change: c.1638G>A on transcript NM_174936.4 (MANE Select); coding-DNA position 1638, G replaced by A.
Protein change: p.Met546Ile; replaces methionine 546 with isoleucine.
Molecular consequence: missense variant.
Genome position (GRCh38, 1-based): chr1:55,059,620, G>A. VCF-style: chr1-55059620-G-A. GRCh37 (hg19) VCF-style: chr1-55525293-G-A.
Other names: c.1761G>A, p.Met587Ile (NM_001407240.1); c.1680G>A, p.Met560Ile (NM_001407241.1); c.1641G>A, p.Met547Ile (NM_001407242.1); c.1581G>A, p.Met527Ile (NM_001407243.1); c.1464G>A, p.Met488Ile (NM_001407244.1); c.1446G>A, p.Met482Ile (NM_001407245.1); c.1263G>A, p.Met421Ile (NM_001407246.1); short protein forms M546I, M421I, M488I, M560I, M527I, M547I, M482I, M587I.
Identifiers: ClinVar variation 1331857 (VCV001331857.4), dbSNP rs1461201950, ClinGen allele CA340480037.

ClinVar aggregate classification (germline): Uncertain significance (1 of 4 stars; one submission).

Conditions:
Familial hypercholesterolemia. Also called: Familial hypercholesterolaemia. Identifiers: MedGen C0020445, MONDO:0005439.

Submission:

Color Diagnostics, LLC DBA Color Health
Classification: Uncertain significance for Familial hypercholesterolemia. Last evaluated: 2024-03-06. Review status: criteria provided, single submitter. Criteria: ACMG Guidelines, 2015. Collection method: clinical testing. Allele origin: germline.
Comment: This missense variant replaces methionine with isoleucine at codon 546 of the PCSK9 protein. Computational prediction suggests that this variant may not impact protein structure and function (internally defined REVEL score threshold <= 0.5, PMID: 27666373). To our knowledge, functional studies have not been reported for this variant. This variant has not been reported in individuals affected with familial hypercholesterolemia in the literature. This variant has not been identified in the general population by the Genome Aggregation Database (gnomAD). The available evidence is insufficient to determine the role of this variant in disease conclusively. Therefore, this variant is classified as a Variant of Uncertain Significance.